The following is an entry in ClinVar:

NM_018344.6(SLC29A3):c.379A>G (p.Asn127Asp)

Genes: SLC29A3 (solute carrier family 29 member 3; plus strand), LOC105378353 (uncharacterized LOC105378353; minus strand). Cytogenetic location: 10q22.1.
Variant type: single nucleotide variant.
Coding change: c.379A>G on transcript NM_018344.6 (MANE Select); coding-DNA position 379, A replaced by G.
Protein change: p.Asn127Asp; replaces asparagine 127 with aspartic acid.
Molecular consequence: missense variant.
Genome position (GRCh38, 1-based): chr10:71,344,287, A>G. VCF-style: chr10-71344287-A-G. GRCh37 (hg19) VCF-style: chr10-73104044-A-G.
Other names: c.379A>G, p.Asn127Asp (NM_001174098.2); c.145A>G, p.Asn49Asp (NM_001363518.2); short protein forms N49D, N127D.
Identifiers: ClinVar variation 1494757 (VCV001494757.8), dbSNP rs761243929, ClinGen allele CA5542905.

ClinVar aggregate classification (germline): Uncertain significance (1 of 4 stars; one submission).

Conditions:
H syndrome. Also called: Histiocytosis with joint contractures and sensorineural deafness; Asrar Facharzt Haque syndrome; HISTIOCYTOSIS AND LYMPHADENOPATHY WITH OR WITHOUT CUTANEOUS, CARDIAC, AND/OR ENDOCRINE FEATURES, JOINT CONTRACTURES, AND/OR DEAFNESS; HYPERPIGMENTATION, CUTANEOUS, WITH HYPERTRICHOSIS, HEPATOSPLENOMEGALY, HEART ANOMALIES, AND HYPOGONADISM WITH OR WITHOUT HEARING LOSS; PIGMENTED HYPERTRICHOSIS WITH INSULIN-DEPENDENT DIABETES MELLITUS; ROSAI-DORFMAN DISEASE, FAMILIAL. Identifiers: Orphanet 168569, MedGen C1864445, MONDO:0011273, OMIM 602782.

Allele frequency attached by ClinVar (database versions not stated): gnomAD exomes below 0.00001; ExAC 0.00001.
gnomAD v4.1: 1 of 1,613,558 alleles (0.000062%); highest among the groups gnomAD compares: Admixed American, 0.0017%; no homozygotes.

Submission:

Labcorp Genetics (formerly Invitae), Labcorp
Classification: Uncertain significance for H syndrome. Last evaluated: 2021-06-18. Review status: criteria provided, single submitter. Criteria: Invitae Variant Classification Sherloc (09022015). Collection method: clinical testing. Allele origin: germline.
Comment: In summary, the available evidence is currently insufficient to determine the role of this variant in disease. Therefore, it has been classified as a Variant of Uncertain Significance. Algorithms developed to predict the effect of missense changes on protein structure and function are either unavailable or do not agree on the potential impact of this missense change (SIFT: "Tolerated"; PolyPhen-2: "Probably Damaging"; Align-GVGD: "Class C0"). This variant has not been reported in the literature in individuals with SLC29A3-related conditions. This variant is present in population databases (rs761243929, ExAC 0.001%). This sequence change replaces asparagine with aspartic acid at codon 127 of the SLC29A3 protein (p.Asn127Asp). The asparagine residue is moderately conserved and there is a small physicochemical difference between asparagine and aspartic acid.